The following is an entry in ClinVar:

ClinVar aggregate classification (germline): Benign. Review status: criteria provided, multiple submitters, no conflicts (2 of 4 stars). 8 submissions from 8 submitters: Benign (7). 1 of the submissions does not count toward it. Last evaluated 2026-02-04.

Conditions:
PCNT-related disorder. Also called: PCNT-related condition.
Microcephalic osteodysplastic primordial dwarfism type II (MOPD2). Also called: Microcephalic osteodysplastic primordial dwarfism with tooth abnormalities; OSTEODYSPLASTIC PRIMORDIAL DWARFISM, TYPE II; MOPD II. Identifiers: Orphanet 2637, MedGen C0432246, MONDO:0008872, OMIM 210720.

Allele frequency attached by ClinVar (database versions not stated): gnomAD exomes 0.13257; 1000 Genomes Project 0.20288; gnomAD 0.21523 and 0.22440; TOPMed 0.22739; ESP Exome Variant Server 0.24089; ExAC 0.14134; 1000 Genomes Project 30x 0.21096.
gnomAD v4.1: 212,314 of 1,612,692 alleles (13%); highest among the groups gnomAD compares: African/African-American, 47%; 19,522 homozygotes.

Submissions (8):

Labcorp Genetics (formerly Invitae), Labcorp
Classification: Benign. Last evaluated: 2026-02-04. Review status: criteria provided, single submitter. Criteria: Invitae Variant Classification Sherloc (09022015). Collection method: clinical testing. Allele origin: germline.

Blueprint Genetics
Classification: Benign. Last evaluated: 2024-11-28. Review status: criteria provided, single submitter. Criteria: ACMG Guidelines, 2015. Collection method: clinical testing. Allele origin: germline.

Illumina Laboratory Services, Illumina
Classification: Benign for Microcephalic osteodysplastic primordial dwarfism type II. Last evaluated: 2018-01-13. Review status: criteria provided, single submitter. Criteria: ICSL Variant Classification Criteria 13 December 2019. Collection method: clinical testing. Allele origin: germline.
Comment: This variant was observed in the ICSL laboratory as part of a predisposition screen in an ostensibly healthy population. It had not been previously curated by ICSL or reported in the Human Gene Mutation Database (HGMD: prior to June 1st, 2018), and was therefore a candidate for classification through an automated scoring system. Utilizing variant allele frequency, disease prevalence and penetrance estimates, and inheritance mode, an automated score was calculated to assess if this variant is too frequent to cause the disease. Based on the score and internal cut-off values, a variant classified as benign is not then subjected to further curation. The score for this variant resulted in a classification of benign for this disease.

GeneDx
Classification: Benign. Last evaluated: 2013-12-18. Review status: criteria provided, single submitter. Criteria: GeneDx Variant Classification (06012015). Collection method: clinical testing. Allele origin: germline. Affected: yes.
Comment: This variant is considered likely benign or benign based on one or more of the following criteria: it is a conservative change, it occurs at a poorly conserved position in the protein, it is predicted to be benign by multiple in silico algorithms, and/or has population frequency not consistent with disease.

Eurofins Ntd Llc (ga)
Classification: Benign. Last evaluated: 2013-08-07. Review status: criteria provided, single submitter. Criteria: EGL Classification Definitions 2015. Collection method: clinical testing. Allele origin: germline. Observed: 2 variant alleles, 1 heterozygote, 1 homozygote.

Genetic Services Laboratory, University of Chicago
Classification: Benign. Last evaluated: 2013-02-08. Review status: criteria provided, single submitter. Criteria: ACMG Guidelines, 2007. Collection method: clinical testing. Allele origin: germline. Inheritance: Autosomal recessive inheritance.

Breakthrough Genomics
Classification: Benign. Review status: criteria provided, single submitter. Criteria: ACMG Guidelines, 2015. Collection method: not provided. Allele origin: germline. Inheritance: Autosomal recessive inheritance. Affected: yes.

PreventionGenetics, part of Exact Sciences
Classification: Benign for PCNT-related condition. Last evaluated: 2022-07-19. Review status: no assertion criteria provided. Collection method: clinical testing. Allele origin: germline. Not counted in ClinVar's aggregate classification.
Comment: This variant is classified as benign based on ACMG/AMP sequence variant interpretation guidelines (Richards et al. 2015 PMID: 25741868, with internal and published modifications).

NM_006031.6(PCNT):c.5522A>G (p.Asn1841Ser)

Gene: PCNT (pericentrin; plus strand). Cytogenetic location: 21q22.3.
Variant type: single nucleotide variant.
Coding change: c.5522A>G on transcript NM_006031.6 (MANE Select); coding-DNA position 5522, A replaced by G.
Protein change: p.Asn1841Ser; replaces asparagine 1841 with serine.
Molecular consequence: missense variant.
Genome position (GRCh38, 1-based): chr21:46,411,595, A>G. VCF-style: chr21-46411595-A-G. GRCh37 (hg19) VCF-style: chr21-47831509-A-G.
Other names: p.N1841S:AAT>AGT; c.5168A>G, p.Asn1723Ser (NM_001315529.2); short protein forms N1841S, N1723S.
Identifiers: ClinVar variation 95336 (VCV000095336.24), dbSNP rs35940413, ClinGen allele CA148441.